The following is an entry in ClinVar:

NM_000038.6(APC):c.2183A>G (p.Asn728Ser)

Gene: APC (APC regulator of Wnt signaling pathway; plus strand). Cytogenetic location: 5q22.2.
Variant type: single nucleotide variant.
Coding change: c.2183A>G on transcript NM_000038.6 (MANE Select); coding-DNA position 2183, A replaced by G.
Protein change: p.Asn728Ser; replaces asparagine 728 with serine.
Molecular consequence: missense variant. On other transcripts: non-coding transcript variant (2).
Genome position (GRCh38, 1-based): chr5:112,837,777, A>G. VCF-style: chr5-112837777-A-G. GRCh37 (hg19) VCF-style: chr5-112173474-A-G.
Other names: c.2183A>G, p.Asn728Ser (NM_001127510.3, NM_001354895.2, NM_001407450.1); c.2129A>G, p.Asn710Ser (NM_001127511.3); c.2237A>G, p.Asn746Ser (NM_001354896.2, NM_001407447.1, NM_001407448.1 and 1 more transcripts); c.2213A>G, p.Asn738Ser (NM_001354897.2); c.2108A>G, p.Asn703Ser (NM_001354898.2); c.2099A>G, p.Asn700Ser (NM_001354899.2); c.2060A>G, p.Asn687Ser (NM_001354900.2); c.2006A>G, p.Asn669Ser (NM_001354901.2, NM_001407453.1); and 11 more; short protein forms N344S, N645S, N669S, N700S, N718S, N746S, N756S, N568S.
Identifiers: ClinVar variation 2587003 (VCV002587003.2), dbSNP rs1765120944, ClinGen allele CA16026113.
Genomic context (GRCh38, chr5:112,837,777, plus strand): 5'-AGAACCTCATTCATTCAAAGCACAAAATGATTGCTATGGGAAGTGCTGCAGCTTTAAGGA[A>G]TCTCATGGCAAATAGGCCTGCGAAGTACAAGGATGCCAATATTATGTCTCCTGGCTCAAG-3'
Protein context (NP_000029.2, residues 718-738): IAMGSAAALR[Asn728Ser]LMANRPAKYK

ClinVar aggregate classification (germline): Uncertain significance (1 of 4 stars; one submission).

Conditions:
Hereditary cancer-predisposing syndrome. Also called: Hereditary neoplastic syndrome; Tumor predisposition; Hereditary Cancer Syndrome; Neoplastic Syndromes, Hereditary. Identifiers: Orphanet 140162, MedGen C0027672, MeSH D009386, MONDO:0015356.

Submission:

Ambry Genetics
Classification: Uncertain significance for Hereditary cancer-predisposing syndrome. Last evaluated: 2023-07-09. Review status: criteria provided, single submitter. Criteria: Ambry Variant Classification Scheme 2023. Collection method: clinical testing. Allele origin: germline.
Comment: The p.N728S variant (also known as c.2183A>G), located in coding exon 15 of the APC gene, results from an A to G substitution at nucleotide position 2183. The asparagine at codon 728 is replaced by serine, an amino acid with highly similar properties. This amino acid position is conserved. In addition, in silico predictors for this gene do not accurately predict pathogenicity. Since supporting evidence is limited at this time, the clinical significance of this alteration remains unclear.